The following is an entry in ClinVar:

NM_001145319.2(PLS1):c.981+5G>A

Gene: PLS1 (plastin 1; plus strand). Cytogenetic location: 3q23.
Variant type: single nucleotide variant.
Coding change: c.981+5G>A on transcript NM_001145319.2 (MANE Select); 5 bases into the intron after coding-DNA position 981, G replaced by A.
Molecular consequence: intron variant.
Genome position (GRCh38, 1-based): chr3:142,686,381, G>A. VCF-style: chr3-142686381-G-A. GRCh37 (hg19) VCF-style: chr3-142405223-G-A.
Other names: c.981+5G>A (NM_002670.3, NM_001172312.2).
Identifiers: ClinVar variation 3769887 (VCV003769887.1).
Genomic context (GRCh38, chr3:142,686,381, plus strand): 5'-CCCCTAAAGGTGGGGAAGATGGACCTGCCATTGCCATTGACCTTTCAGGAATTAATGTGA[G>A]TGCAATTTTTAACTTTTAAAATATATTGTGGTAAAACAGACGTAGAAAATTTACCATTTT-3'

ClinVar aggregate classification (germline): Uncertain significance (1 of 4 stars; one submission).

Submission:

GeneDx
Classification: Uncertain significance. Last evaluated: 2024-09-16. Review status: criteria provided, single submitter. Criteria: GeneDx Variant Classification Process June 2021. Collection method: clinical testing. Allele origin: germline. Affected: yes.
Comment: Not observed at significant frequency in large population cohorts (gnomAD); In silico analysis supports a deleterious effect on splicing; Has not been previously published as pathogenic or benign to our knowledge